The following is an entry in ClinVar:

NM_000214.3(JAG1):c.1859G>C (p.Gly620Ala)

Gene: JAG1 (jagged canonical Notch ligand 1; minus strand). Cytogenetic location: 20p12.2.
Variant type: single nucleotide variant.
Coding change: c.1859G>C on transcript NM_000214.3 (MANE Select); coding-DNA position 1859, G replaced by C.
Protein change: p.Gly620Ala; replaces glycine 620 with alanine.
Molecular consequence: missense variant.
Genome position (GRCh38, 1-based): chr20:10,646,965, C>G on the plus strand (G>C on the coding strand, the complement: JAG1 is on the minus strand). VCF-style: chr20-10646965-C-G. GRCh37 (hg19) VCF-style: chr20-10627613-C-G.
Other names: short protein forms G620A.
Identifiers: ClinVar variation 1485897 (VCV001485897.6), dbSNP rs752105789, ClinGen allele CA9764738.
Genomic context (GRCh38, chr20:10,646,965, plus strand): 5'-AGCACTGGTCCATTCCCGGATGAGGGAGTCTTACTTTCATGGCAGTATGTTCCCGTGAAG[C>G]CTTTGTTACAGTCACAGGTGAATTTGCCTCCCGACTGACTCTTGCACTTCCCGTGAGGAC-3'
Protein context (NP_000205.1, residues 610-630): GGKFTCDCNK[Gly620Ala]FTGTYCHENI

ClinVar aggregate classification (germline): Uncertain significance (1 of 4 stars; one submission).

Conditions:
Alagille syndrome due to a JAG1 point mutation. Also called: JAG1-Related Alagille Syndrome; Alagille Syndrome 1; HEPATIC DUCTULAR HYPOPLASIA, SYNDROMATIC. Identifiers: Orphanet 261619, Orphanet 52, MedGen C1956125, MONDO:0016862, OMIM 118450.

Allele frequency attached by ClinVar (database versions not stated): gnomAD exomes below 0.00001 and 0.00001; TOPMed below 0.00001; ExAC 0.00001; gnomAD 0.00001.
gnomAD v4.1: 9 of 1,614,182 alleles (0.00056%); highest among the groups gnomAD compares: Middle Eastern, 0.016%; no homozygotes.

Submission:

Labcorp Genetics (formerly Invitae), Labcorp
Classification: Uncertain significance for Alagille syndrome due to a JAG1 point mutation. Last evaluated: 2022-01-05. Review status: criteria provided, single submitter. Criteria: Invitae Variant Classification Sherloc (09022015). Collection method: clinical testing. Allele origin: germline.
Comment: This sequence change replaces glycine, which is neutral and non-polar, with alanine, which is neutral and non-polar, at codon 620 of the JAG1 protein (p.Gly620Ala). This variant is present in population databases (rs752105789, gnomAD 0.005%). This variant has not been reported in the literature in individuals affected with JAG1-related conditions. Advanced modeling of protein sequence and biophysical properties (such as structural, functional, and spatial information, amino acid conservation, physicochemical variation, residue mobility, and thermodynamic stability) performed at Invitae indicates that this missense variant is expected to disrupt JAG1 protein function. In summary, the available evidence is currently insufficient to determine the role of this variant in disease. Therefore, it has been classified as a Variant of Uncertain Significance.